The following is an entry in ClinVar:

ClinVar aggregate classification (germline): Uncertain significance (1 of 4 stars; one submission).

gnomAD v4.1: 2 of 1,200,786 alleles (0.00017%); highest among the groups gnomAD compares: African/African-American, 0.0035%; no homozygotes.

Submission:

GeneDx
Classification: Uncertain significance. Last evaluated: 2023-05-11. Review status: criteria provided, single submitter. Criteria: GeneDx Variant Classification Process June 2021. Collection method: clinical testing. Allele origin: germline. Affected: yes.
Comment: Not observed at significant frequency in large population cohorts (gnomAD); In silico analysis supports that this missense variant does not alter protein structure/function; Has not been previously published as pathogenic or benign to our knowledge

NM_001135998.3(NDUFB11):c.83G>C (p.Arg28Pro)

Gene: NDUFB11 (NADH:ubiquinone oxidoreductase subunit B11; minus strand). Cytogenetic location: Xp11.3.
Variant type: single nucleotide variant.
Coding change: c.83G>C on transcript NM_001135998.3 (MANE Select); coding-DNA position 83, G replaced by C.
Protein change: p.Arg28Pro; replaces arginine 28 with proline.
Molecular consequence: missense variant.
Genome position (GRCh38, 1-based): chrX:47,144,597, C>G on the plus strand (G>C on the coding strand, the complement: NDUFB11 is on the minus strand). VCF-style: chrX-47144597-C-G. GRCh37 (hg19) VCF-style: chrX-47003996-C-G.
Other names: c.83G>C, p.Arg28Pro (NM_019056.7); short protein forms R28P.
Identifiers: ClinVar variation 3343216 (VCV003343216.1).